The following is an entry in ClinVar:

ClinVar aggregate classification (germline): Likely pathogenic (1 of 4 stars; one submission).

Conditions:
Combined malonic and methylmalonic acidemia. Identifiers: Orphanet 289504, MedGen C3280314, MONDO:0013661, OMIM 614265.

Submission:

Labcorp Genetics (formerly Invitae), Labcorp
Classification: Likely pathogenic for Combined malonic and methylmalonic aciduria. Last evaluated: 2019-03-28. Review status: criteria provided, single submitter. Criteria: Invitae Variant Classification Sherloc (09022015). Collection method: clinical testing. Allele origin: germline.
Comment: This variant is a deletion of the genomic region encompassing exon 4 and part of exon 3 (c.22_823-177del) of the ACSF3 gene. It is expected to disrupt RNA splicing and likely results in an absent or disrupted protein product. This variant has not been reported in the literature in individuals with ACSF3-related conditions. Loss-of-function variants in ACSF3 are known to be pathogenic (PMID: 21841779, 26827111). In summary, the currently available evidence indicates that the variant is pathogenic, but additional data are needed to prove that conclusively. Therefore, this variant has been classified as Likely Pathogenic.

NC_000016.10:g.89100703_89111915del

Gene: ACSF3 (acyl-CoA synthetase family member 3; plus strand).
Variant type: Deletion.
Identifiers: ClinVar variation 836367 (VCV000836367.1).